The following is an entry in ClinVar:

ClinVar aggregate classification (germline): Uncertain significance (1 of 4 stars; one submission).

Allele frequency attached by ClinVar (database versions not stated): gnomAD exomes below 0.00001; ExAC 0.00001.
gnomAD v4.1: 2 of 1,614,236 alleles (0.00012%); highest among the groups gnomAD compares: Admixed American, 0.0033%; no homozygotes.

Submission:

Labcorp Genetics (formerly Invitae), Labcorp
Classification: Uncertain significance. Last evaluated: 2022-08-16. Review status: criteria provided, single submitter. Criteria: Invitae Variant Classification Sherloc (09022015). Collection method: clinical testing. Allele origin: germline.
Comment: In summary, the available evidence is currently insufficient to determine the role of this variant in disease. Therefore, it has been classified as a Variant of Uncertain Significance. Algorithms developed to predict the effect of missense changes on protein structure and function are either unavailable or do not agree on the potential impact of this missense change (SIFT: "Not Available"; PolyPhen-2: "Probably Damaging"; Align-GVGD: "Not Available"). ClinVar contains an entry for this variant (Variation ID: 1423062). This missense change has been observed in individual(s) with retinitis pigmentosa (PMID: 18055821; Invitae). In at least one individual the data is consistent with being in trans (on the opposite chromosome) from a pathogenic variant. This variant is present in population databases (rs766088997, gnomAD 0.003%). This sequence change replaces leucine, which is neutral and non-polar, with valine, which is neutral and non-polar, at codon 461 of the TULP1 protein (p.Leu461Val).

Literature cited by the submitters: PubMed 18055821.

NM_003322.6(TULP1):c.1381C>G (p.Leu461Val)

Gene: TULP1 (TUB like protein 1; minus strand). Cytogenetic location: 6p21.31.
Variant type: single nucleotide variant.
Coding change: c.1381C>G on transcript NM_003322.6 (MANE Select); coding-DNA position 1381, C replaced by G.
Protein change: p.Leu461Val; replaces leucine 461 with valine.
Molecular consequence: missense variant.
Genome position (GRCh38, 1-based): chr6:35,500,095, G>C on the plus strand (C>G on the coding strand, the complement: TULP1 is on the minus strand). VCF-style: chr6-35500095-G-C. GRCh37 (hg19) VCF-style: chr6-35467872-G-C.
Other names: c.1222C>G, p.Leu408Val (NM_001289395.2); short protein forms L408V, L461V.
Identifiers: ClinVar variation 1423062 (VCV001423062.8), dbSNP rs766088997, ClinGen allele CA3772561.